The following is an entry in ClinVar:

NM_001128178.3(NPHP1):c.498G>A (p.Gln166=)

Gene: NPHP1 (nephrocystin 1; minus strand). Cytogenetic location: 2q13.
Variant type: single nucleotide variant.
Coding change: c.498G>A on transcript NM_001128178.3 (MANE Select); coding-DNA position 498, G replaced by A.
Protein change: p.Gln166=; no amino-acid change (glutamine 166 retained).
Molecular consequence: synonymous variant.
Genome position (GRCh38, 1-based): chr2:110,169,830, C>T on the plus strand (G>A on the coding strand, the complement: NPHP1 is on the minus strand). VCF-style: chr2-110169830-C-T. GRCh37 (hg19) VCF-style: chr2-110927407-C-T.
Other names: c.498G>A, p.Gln166= (NM_000272.5, NM_001374256.1, NM_001374257.1 and 1 more transcripts); c.312G>A, p.Gln104= (NM_001128179.3).
Identifiers: ClinVar variation 4983076 (VCV004983076.1).

ClinVar aggregate classification (germline): Likely benign (1 of 4 stars; one submission).

Conditions:
NPHP1-related disorder. Also called: NPHP1-related disorders; NPHP1-related condition.

gnomAD v4.1: 9 of 1,613,076 alleles (0.00056%); highest among the groups gnomAD compares: Non-Finnish European, 0.00076%; no homozygotes.

Submission:

PreventionGenetics, part of Exact Sciences
Classification: Likely benign for NPHP1-related condition. Last evaluated: 2025-06-26. Review status: criteria provided, single submitter. Criteria: ACMG Guidelines, 2015. Collection method: clinical testing. Allele origin: germline.
Comment: This variant is classified as likely benign based on ACMG/AMP sequence variant interpretation guidelines (Richards et al. 2015 PMID: 25741868, with internal and published modifications).